The following is an entry in ClinVar:

NM_001375808.2(LPIN2):c.1775A>G (p.Lys592Arg)

Gene: LPIN2 (lipin 2; minus strand). Cytogenetic location: 18p11.31.
Variant type: single nucleotide variant.
Coding change: c.1775A>G on transcript NM_001375808.2 (MANE Select); coding-DNA position 1775, A replaced by G.
Protein change: p.Lys592Arg; replaces lysine 592 with arginine.
Molecular consequence: missense variant.
Genome position (GRCh38, 1-based): chr18:2,926,741, T>C on the plus strand (A>G on the coding strand, the complement: LPIN2 is on the minus strand). VCF-style: chr18-2926741-T-C. GRCh37 (hg19) VCF-style: chr18-2926739-T-C.
Other names: c.1775A>G, p.Lys592Arg (NM_001375809.1, NM_014646.2); short protein forms K592R.
Identifiers: ClinVar variation 1014258 (VCV001014258.10), dbSNP rs2077137437, ClinGen allele CA401703007.
Genomic context (GRCh38, chr18:2,926,741, plus strand): 5'-GGGCCTGAGTGCTATGAGCCGGGCAGAGGACAGGGCACCCACCTGGCACCGGCCGGCTCC[T>C]TGGAGCTGGATGGCAGGTCACTGGCTGGCGGTGCCTCAGATTTTCCCTCCTTGGATTCTG-3'
Protein context (NP_001362737.1, residues 582-602): PPASDLPSSS[Lys592Arg]EPAGARPAEN

ClinVar aggregate classification (germline): Uncertain significance (1 of 4 stars; one submission).

Conditions:
Majeed syndrome (MJDS). Also called: CHRONIC RECURRENT MULTIFOCAL OSTEOMYELITIS 1, WITH CONGENITAL DYSERYTHROPOIETIC ANEMIA, WITH OR WITHOUT NEUTROPHILIC DERMATOSIS; LPIN2-Related Majeed Syndrome. Identifiers: Orphanet 77297, MedGen C1864997, MONDO:0012316, OMIM 609628.

Submission:

Labcorp Genetics (formerly Invitae), Labcorp
Classification: Uncertain significance for Majeed syndrome. Last evaluated: 2020-01-10. Review status: criteria provided, single submitter. Criteria: Invitae Variant Classification Sherloc (09022015). Collection method: clinical testing. Allele origin: germline.
Comment: In summary, the available evidence is currently insufficient to determine the role of this variant in disease. Therefore, it has been classified as a Variant of Uncertain Significance. This variant has not been reported in the literature in individuals with LPIN2-related conditions. Algorithms developed to predict the effect of missense changes on protein structure and function (SIFT, PolyPhen-2, Align-GVGD) all suggest that this variant is likely to be tolerated, but these predictions have not been confirmed by published functional studies and their clinical significance is uncertain. This sequence change replaces lysine with arginine at codon 592 of the LPIN2 protein (p.Lys592Arg). The lysine residue is weakly conserved and there is a small physicochemical difference between lysine and arginine. Algorithms developed to predict the effect of sequence changes on RNA splicing suggest that this variant may create or strengthen a splice site, but this prediction has not been confirmed by published transcriptional studies. This variant is not present in population databases (ExAC no frequency).